The following is an entry in ClinVar:

NM_033409.4(SLC52A3):c.1288T>C (p.Leu430=)

Gene: SLC52A3 (solute carrier family 52 member 3; minus strand). Cytogenetic location: 20p13.
Variant type: single nucleotide variant.
Coding change: c.1288T>C on transcript NM_033409.4 (MANE Select); coding-DNA position 1288, T replaced by C.
Protein change: p.Leu430=; no amino-acid change (leucine 430 retained).
Molecular consequence: synonymous variant.
Genome position (GRCh38, 1-based): chr20:761,148, A>G on the plus strand (T>C on the coding strand, the complement: SLC52A3 is on the minus strand). VCF-style: chr20-761148-A-G. GRCh37 (hg19) VCF-style: chr20-741792-A-G.
Other names: c.1288T>C, p.Leu430= (NM_001370085.1, NM_001370086.1); c.1288T>C (NM_033409.3).
Identifiers: ClinVar variation 1133720 (VCV001133720.11), dbSNP rs149534355, ClinGen allele CA9724525.
Genomic context (GRCh38, chr20:761,148, plus strand): 5'-GAGGGAACATGAGCAGCGCTCCGAGCAGCGAGCCCAGCTGCACCGCCGCCCCGCACCACA[A>G]GAGGGCGCTGCGGCTGAGGTCGCGCAGGACCACGCCCAGCATCACCTTGACGTAACTGAG-3'
Protein context (NP_212134.3, residues 420-440): VLRDLSRSAL[Leu430=]WCGAAVQLGS

ClinVar aggregate classification (germline): Likely benign. Review status: criteria provided, single submitter (1 of 4 stars). 2 submissions from 2 submitters: Likely benign (1). 1 of the submissions does not count toward it. Last evaluated 2024-12-08.

Conditions:
Brown-Vialetto-van Laere syndrome 1. Also called: BROWN-VIALETTO-VAN LAERE SYNDROME 1, MILD; BULBAR PALSY, PROGRESSIVE, WITH SENSORINEURAL DEAFNESS; PONTOBULBAR PALSY WITH DEAFNESS. Identifiers: Orphanet 572550, Orphanet 97229, MedGen C0796274, MONDO:0024537, OMIM 211530.
SLC52A3-related disorder. Also called: SLC52A3-related condition.

Allele frequency attached by ClinVar (database versions not stated): gnomAD exomes 0.00003 and 0.00001; ExAC 0.00010; gnomAD 0.00013 and 0.00015; ESP Exome Variant Server 0.00023; TOPMed 0.00020.

Submissions (2):

Labcorp Genetics (formerly Invitae), Labcorp
Classification: Likely benign for Brown-Vialetto-van Laere syndrome 1. Last evaluated: 2024-12-08. Review status: criteria provided, single submitter. Criteria: Invitae Variant Classification Sherloc (09022015). Collection method: clinical testing. Allele origin: germline.

PreventionGenetics, part of Exact Sciences
Classification: Likely benign for SLC52A3-related condition. Last evaluated: 2021-02-03. Review status: no assertion criteria provided. Collection method: clinical testing. Allele origin: germline. Not counted in ClinVar's aggregate classification.
Comment: This variant is classified as likely benign based on ACMG/AMP sequence variant interpretation guidelines (Richards et al. 2015 PMID: 25741868, with internal and published modifications).